The following is an entry in ClinVar:

ClinVar aggregate classification (germline): Pathogenic. Review status: criteria provided, multiple submitters, no conflicts (2 of 4 stars). 16 submissions from 14 submitters: Pathogenic (13). 3 of the submissions do not count toward it. Last evaluated 2026-05-18.

Conditions:
Peroxisome biogenesis disorder 1A (Zellweger) (PBD1A). Also called: Peroxisome biogenesis disorder 1a; Zellweger leukodystrophy. Identifiers: MedGen C4721541, MONDO:0008953, OMIM 214100.
Heimler syndrome 1 (HMLR1). Also called: PEROXISOME BIOGENESIS DISORDER 1C. Identifiers: Orphanet 3220, MedGen C4551980, OMIM 234580, MONDO:0024544.
Peroxisome biogenesis disorder 1B (PBD1B). Also called: Refsum disease, infantile form; Infantile Refsum disease; Infantile form of phytanic acid storage disease; PEROXISOME BIOGENESIS DISORDER (NEONATAL ADRENOLEUKODYSTROPHY/INFANTILE REFSUM DISEASE); INFANTILE PHYTANIC ACID STORAGE DISEASE; PEROXISOME BIOGENESIS DISORDER (NALD/IRD). Identifiers: Orphanet 44, MedGen C0282527, MONDO:0011101, OMIM 601539.
PEX1-related disorder. Also called: PEX1-related condition.
Peroxisome biogenesis disorder due to PEX1 defect. Identifiers: MedGen CN305475, MONDO:0100259.
Zellweger spectrum disorders (ZS). Also called: Zellweger Spectrum Disorder (ZSD); Zellweger Spectrum Disorder; Zellweger Spectrum; Zellweger syndrome. Identifiers: Orphanet 912, MedGen C0043459, MONDO:0019609.
Peroxisome biogenesis disorder. Identifiers: Orphanet 79189, MedGen C1832200, MONDO:0019234. Disease mechanism: loss of function.

Submissions (16):

PreventionGenetics, part of Exact Sciences
Classification: Pathogenic for PEX1-related condition. Last evaluated: 2026-05-18. Review status: criteria provided, single submitter. Criteria: ACMG Guidelines, 2015. Collection method: clinical testing. Allele origin: germline.
Comment: The PEX1 c.2916delA variant is predicted to result in a frameshift and premature protein termination (p.Gly973Alafs*16). This variant has been reported in the homozygous state or in combination with another PEX1 variant in individuals affected with Zellweger syndrome (Preuss et al. 2002. PubMed ID: 12032265; Steinberg et al. 2004. PubMed ID: 15542397; Ebberink et al. 2011. PubMed ID: 21031596). This variant is present in 0.0093% of alleles in individuals of European (Non-Finnish) descent in gnomAD. Frameshift variants in PEX1 are an established mechanism of disease. This variant is interpreted as pathogenic.

Labcorp Genetics (formerly Invitae), Labcorp
Classification: Pathogenic for Zellweger spectrum disorders. Last evaluated: 2026-01-26. Review status: criteria provided, single submitter. Criteria: Invitae Variant Classification Sherloc (09022015). Collection method: clinical testing. Allele origin: germline.
Comment: This sequence change creates a premature translational stop signal (p.Gly973Alafs*16) in the PEX1 gene. It is expected to result in an absent or disrupted protein product. Loss-of-function variants in PEX1 are known to be pathogenic (PMID: 21031596, 26387595, 31831025). This variant is present in population databases (rs61750426, gnomAD 0.009%). This premature translational stop signal has been observed in individuals with Zellweger syndrome (PMID: 12032265, 15542397, 21031596). ClinVar contains an entry for this variant (Variation ID: 189043). For these reasons, this variant has been classified as Pathogenic.

Natera, Inc.
Classification: Pathogenic for Zellweger syndrome. Last evaluated: 2025-09-21. Review status: criteria provided, single submitter. Criteria: Natera Variant Classification Schema (03/2026). Collection method: clinical testing. Allele origin: germline.
Comment: The c.2916delA variant in PEX1 is a frameshift variant predicted to shift the reading frame beginning at codon 973 and leads to a stop codon 16 codons downstream. This variant is expected to result in nonsense mediated decay, truncation, or a dysfunctional protein product. This variant is rare in the general population with a frequency below the threshold expected for the associated phenotype(s). This variant has been observed in one or more individuals affected with the associated recessive disease, as either homozygous or compound heterozygous with a second variant (PMID: 19105186). Given the available evidence, this variant is classified as Pathogenic.

Mayo Clinic Laboratories, Mayo Clinic
Classification: Pathogenic. Last evaluated: 2025-09-03. Review status: criteria provided, single submitter. Criteria: ACMG Guidelines, 2015. Collection method: clinical testing. Allele origin: germline. Observed: 3 variant alleles.
Comment: PM2_supporting, PM3_very_strong, PVS1

Blueprint Genetics
Classification: Pathogenic for PEX1-related disorders. Last evaluated: 2024-11-25. Review status: criteria provided, single submitter. Criteria: ACMG Guidelines, 2015. Collection method: clinical testing. Allele origin: germline. Affected: yes. Observed: 5 variant alleles.

Victorian Clinical Genetics Services, Murdoch Childrens Research Institute
Classification: Pathogenic for Peroxisome biogenesis disorder due to PEX1 defect. Last evaluated: 2024-10-09. Review status: criteria provided, single submitter. Criteria: ACMG Guidelines, 2015. Collection method: clinical testing. Allele origin: germline. Inheritance: Autosomal recessive inheritance. Affected: yes.
Comment: Based on the classification scheme VCGS_Germline_v1.3.4, this variant is classified as Pathogenic. Following criteria are met: 0102 - Loss of function is a known mechanism of disease in this gene and is associated with Heimler syndrome 1 (MIM#234580), peroxisome biogenesis disorder 1A (Zellweger; MIM#214100), peroxisome biogenesis disorder 1B (NALD/IRD; MIM#601539) and peroxisome biogenesis disorder due to PEX1 defect (MONDO:0100259). (I) 0106 - This gene is associated with autosomal recessive disease. (I) 0201 - Variant is predicted to cause nonsense-mediated decay (NMD) and loss of protein (premature termination codon is located at least 54 nucleotides upstream of the final exon-exon junction). (SP) 0251 - This variant is heterozygous. (I) 0304 - Variant is present in gnomAD (v2) <0.01 for a recessive condition (12 heterozygotes, 0 homozygotes). (SP) 0701 - Other NMD-predicted variants comparable to the one identified in this case has very strong previous evidence for pathogenicity. Many NMD-predicted variants have been reported as pathogenic (clinVar). (SP) 0801 - This variant has strong previous evidence of pathogenicity in unrelated individuals. This variant has been reported nine times as pathogenic (ClinVar) and in affected individuals with peroxisome biogenisis disorder (PMIDs: 21031596, 29419819, 21846392). (SP) 1201 - Heterozygous variant detected in trans with a second pathogenic heterozygous variant (NM_000466.2:c.2528G>A; p.(Gly843Asp)) in a recessive disease. (I) Legend: (SP) - Supporting pathogenic, (I) - Information, (SB) - Supporting benign

Baylor Genetics
Classification: Pathogenic for Heimler syndrome 1. Last evaluated: 2024-03-27. Review status: criteria provided, single submitter. Criteria: ACMG Guidelines, 2015. Collection method: clinical testing. Allele origin: unknown.

Fulgent Genetics
Classification: Pathogenic for Peroxisome biogenesis disorder 1A (Zellweger); Heimler syndrome 1; Peroxisome biogenesis disorder 1B. Last evaluated: 2024-03-14. Review status: criteria provided, single submitter. Criteria: ACMG Guidelines, 2015. Collection method: clinical testing. Allele origin: germline.

Revvity Omics, Revvity
Classification: Pathogenic. Last evaluated: 2023-11-15. Review status: criteria provided, single submitter. Criteria: ACMG Guidelines, 2015. Collection method: clinical testing. Allele origin: germline.

GeneDx
Classification: Pathogenic. Last evaluated: 2023-03-23. Review status: criteria provided, single submitter. Criteria: GeneDx Variant Classification Process June 2021. Collection method: clinical testing. Allele origin: germline. Affected: yes.
Comment: Frameshift variant predicted to result in protein truncation or nonsense mediated decay in a gene for which loss of function is a known mechanism of disease; Not observed at significant frequency in large population cohorts (gnomAD); This variant is associated with the following publications: (PMID: 19105186, 16141001, 20301621, 16086329, 12402331, 15542397, 21031596, 12032265, 33708531, 21846392, 31831025, 17055079, 9398847, 26319495, 31808460, 26387595, 29419819)

Eurofins Ntd Llc (ga)
Classification: Pathogenic. Last evaluated: 2018-08-03. Review status: criteria provided, single submitter. Criteria: EGL ClinVar v180209 classification definitions. Collection method: clinical testing. Allele origin: germline. Observed: 3 variant alleles, 3 heterozygotes.

Women's Health and Genetics/Laboratory Corporation of America, LabCorp
Classification: Pathogenic for Peroxisome biogenesis disorder. Last evaluated: 2017-03-09. Review status: criteria provided, single submitter. Criteria: LabCorp Variant Classification Summary - May 2015. Collection method: clinical testing. Allele origin: germline.
Comment: Variant summary: The PEX1 c.2916delA (p.Gly973Alafs) variant results in a premature termination codon, predicted to cause a truncated or absent PEX1 protein due to nonsense mediated decay, which are commonly known mechanisms for disease. One in silico tool predicts a damaging outcome for this variant. This variant was found in 3/121358 control chromosomes at a frequency of 0.0000247, which does not exceed the estimated maximal expected allele frequency of a pathogenic PEX1 variant (0.003873). Multiple publications cite the variant in individuals with Zellweger syndrome spectrum disorders, who were predominantly compound heterozygotes. In addition, multiple clinical diagnostic laboratories/reputable databases classified this variant as pathogenic. Taken together, this variant is classified as pathogenic.

Baylor Genetics
Classification: Pathogenic for Peroxisome biogenesis disorder 1A (Zellweger); Peroxisome biogenesis disorder 1B. Review status: criteria provided, single submitter. Criteria: ACMG Guidelines, 2015. Collection method: clinical testing. Allele origin: germline.

Counsyl
Classification: Likely pathogenic for Zellweger syndrome. Last evaluated: 2014-11-05. Review status: no assertion criteria provided. Collection method: literature only. Allele origin: unknown. Inheritance: Autosomal recessive inheritance. Not counted in ClinVar's aggregate classification.

OMIM
Classification: Pathogenic for PEROXISOME BIOGENESIS DISORDER 1A (ZELLWEGER). Last evaluated: 2002-11-01. Review status: no assertion criteria provided. Collection method: literature only. Allele origin: germline. Not counted in ClinVar's aggregate classification.

OMIM
Classification: Pathogenic for PEROXISOME BIOGENESIS DISORDER 1B. Last evaluated: 2002-11-01. Review status: no assertion criteria provided. Collection method: literature only. Allele origin: germline. Not counted in ClinVar's aggregate classification.

Literature cited by the submitters: PubMed 21031596 (cited by 4 submitters); PubMed 26387595 (cited by Labcorp Genetics (formerly Invitae), Labcorp); PubMed 31831025 (cited by Labcorp Genetics (formerly Invitae), Labcorp); PubMed 12032265 (cited by 5 submitters); PubMed 15542397 (cited by 3 submitters); PubMed 19105186 (cited by 3 submitters); PubMed 12402331 (cited by 3 submitters); PubMed 21846392 (cited by 3 submitters); PubMed 29419819 (cited by Victorian Clinical Genetics Services, Murdoch Childrens Research Institute); PubMed 16141001 (cited by Counsyl).

NM_000466.3(PEX1):c.2916del (p.Gly973fs)

Genes: GATAD1 (GATA zinc finger domain containing 1; plus strand), PEX1 (peroxisomal biogenesis factor 1; minus strand). Cytogenetic location: 7q21.2.
Variant type: Deletion.
Coding change: c.2916del on transcript NM_000466.3 (MANE Select); coding-DNA position 2916, one base deleted (A; older notation c.2916delA).
Protein change: p.Gly973fs; shifts the reading frame from glycine 973.
Molecular consequence: frameshift variant.
Genome position (GRCh38, 1-based): chr7:92,494,497, T deleted on the plus strand (A on the coding strand, the reverse complement: PEX1 is on the minus strand); the first of 2 consecutive T bases (chr7:92,494,497-92,494,498); deleting either gives the same sequence. VCF-style (leftmost placement, unchanged base first): chr7-92494496-CT-C. GRCh37 (hg19) VCF-style: chr7-92123810-CT-C.
Other names: p.Gly973Alafs*16; p.(Gly973AlafsTer16); c.2745del, p.Gly916fs (NM_001282677.2); c.2292del, p.Gly765fs (NM_001282678.2); c.2916del (NM_000466.2); short protein forms G973fs, G916fs, G765fs.
Identifiers: ClinVar variation 189043 (VCV000189043.37), dbSNP rs61750426, ClinGen allele CA274313.
Genomic context (GRCh38, chr7:92,494,496, plus strand): 5'-ACATGATGACATTTTGTTATAACATTCTATTTCTGTATTTATAATTATTACCCTGTAAGC[CT>C]TCTACTCCATCCAACTGAGTCAGCAACTGGTTAACTACTCGGTCTGTAACTCCTGTATTA-3'